The following is an entry in ClinVar:

NM_021930.6(RINT1):c.643del (p.Ala215fs)

Gene: RINT1 (RAD50 interactor 1; plus strand). Cytogenetic location: 7q22.3.
Variant type: Deletion.
Coding change: c.643del on transcript NM_021930.6 (MANE Select); coding-DNA position 643, one base deleted (G; older notation c.643delG).
Protein change: p.Ala215fs; shifts the reading frame from alanine 215.
Molecular consequence: frameshift variant. On other transcripts: 5 prime UTR variant (2), non-coding transcript variant (1), intron variant (1).
Genome position (GRCh38, 1-based): chr7:105,547,037, G deleted. VCF-style (leftmost placement, unchanged base first): chr7-105547036-AG-A. GRCh37 (hg19) VCF-style: chr7-105187483-AG-A.
Other names: c.409del, p.Ala137fs (NM_001346599.2); c.-377del (NM_001346600.2); c.-280del (NM_001346601.2); c.-27-3018del (NM_001346603.2); short protein forms A215fs, A137fs.
Identifiers: ClinVar variation 2842906 (VCV002842906.3), dbSNP rs2485123020, ClinGen allele CA2739278328.
Genomic context (GRCh38, chr7:105,547,036, plus strand): 5'-GGCAGAACTTGACATTAAACTTCAGGAATCATCTTGTACTCATCTTCTTGGTTTCATGAG[AG>A]CCACAGTTAAATTCTGGCATAAAATTCTCAAGGACAAGCTTACAAGGTAGGGAATTTACC-3'

ClinVar aggregate classification (germline): Pathogenic (1 of 4 stars; one submission).

Submission:

Labcorp Genetics (formerly Invitae), Labcorp
Classification: Pathogenic. Last evaluated: 2023-03-06. Review status: criteria provided, single submitter. Criteria: Invitae Variant Classification Sherloc (09022015). Collection method: clinical testing. Allele origin: germline.
Comment: This sequence change creates a premature translational stop signal (p.Ala215Profs*22) in the RINT1 gene. It is expected to result in an absent or disrupted protein product. Loss-of-function variants in RINT1 are known to be pathogenic (PMID: 31204009). For these reasons, this variant has been classified as Pathogenic. This variant has not been reported in the literature in individuals affected with RINT1-related conditions. This variant is not present in population databases (gnomAD no frequency).

Literature cited by the submitters: PubMed 31204009.